The following is an entry in ClinVar:

NM_000540.3(RYR1):c.11320del (p.Ala3774fs)

Gene: RYR1 (ryanodine receptor 1; plus strand). Cytogenetic location: 19q13.2.
Variant type: Deletion.
Coding change: c.11320del on transcript NM_000540.3 (MANE Select); coding-DNA position 11320, one base deleted (G; older notation c.11320delG).
Protein change: p.Ala3774fs; shifts the reading frame from alanine 3774.
Molecular consequence: frameshift variant.
Genome position (GRCh38, 1-based): chr19:38,534,780, G deleted; the last of 6 consecutive G bases (chr19:38,534,775-38,534,780); deleting any one gives the same sequence. VCF-style (leftmost placement, unchanged base first): chr19-38534774-CG-C. GRCh37 (hg19) VCF-style: chr19-39025414-CG-C.
Other names: c.11305del, p.Ala3769fs (NM_001042723.2); c.11320delG (NM_000540.2); short protein forms A3769fs.
Identifiers: ClinVar variation 590381 (VCV000590381.8), dbSNP rs768698639, ClinGen allele CA632867324.

ClinVar aggregate classification (germline): Pathogenic/Likely pathogenic. Review status: criteria provided, multiple submitters, no conflicts (2 of 4 stars). 2 submissions from 2 submitters: Pathogenic (1); Likely pathogenic (1). Last evaluated 2022-07-05.

Conditions:
RYR1-related disorder. Also called: RYR1-related disorders; RYR1-related condition. Identifiers: MedGen CN239331.

Submissions (2):

Labcorp Genetics (formerly Invitae), Labcorp
Classification: Pathogenic for RYR1-related disorder. Last evaluated: 2022-07-05. Review status: criteria provided, single submitter. Criteria: Invitae Variant Classification Sherloc (09022015). Collection method: clinical testing. Allele origin: germline.
Comment: For these reasons, this variant has been classified as Pathogenic. ClinVar contains an entry for this variant (Variation ID: 590381). This variant has not been reported in the literature in individuals affected with RYR1-related conditions. The frequency data for this variant in the population databases is considered unreliable, as metrics indicate poor data quality at this position in the gnomAD database. This sequence change creates a premature translational stop signal (p.Ala3774Argfs*8) in the RYR1 gene. It is expected to result in an absent or disrupted protein product. Loss-of-function variants in RYR1 are known to be pathogenic (PMID: 20583297, 20839240, 23919265, 28818389).

PreventionGenetics, part of Exact Sciences
Classification: Likely pathogenic. Last evaluated: 2013-10-28. Review status: criteria provided, single submitter. Criteria: ACMG Guidelines, 2015. Collection method: clinical testing. Allele origin: germline.

Literature cited by the submitters: PubMed 20583297 (cited by Labcorp Genetics (formerly Invitae), Labcorp); PubMed 20839240 (cited by Labcorp Genetics (formerly Invitae), Labcorp); PubMed 23919265 (cited by Labcorp Genetics (formerly Invitae), Labcorp); PubMed 28818389 (cited by Labcorp Genetics (formerly Invitae), Labcorp).